The following is an entry in ClinVar:

NM_001370259.2(MEN1):c.283G>T (p.Ala95Ser)

Gene: MEN1 (menin 1; minus strand). Cytogenetic location: 11q13.1.
Variant type: single nucleotide variant.
Coding change: c.283G>T on transcript NM_001370259.2 (MANE Select); coding-DNA position 283, G replaced by T.
Protein change: p.Ala95Ser; replaces alanine 95 with serine.
Molecular consequence: missense variant.
Genome position (GRCh38, 1-based): chr11:64,809,827, C>A on the plus strand (G>T on the coding strand, the complement: MEN1 is on the minus strand). VCF-style: chr11-64809827-C-A. GRCh37 (hg19) VCF-style: chr11-64577299-C-A.
Other names: c.283G>T, p.Ala95Ser (NM_130804.3, NM_000244.4, NM_001370251.2 and 9 more transcripts); short protein forms A95S.
Identifiers: ClinVar variation 659995 (VCV000659995.8), dbSNP rs1592658740, ClinGen allele CA381187487.

ClinVar aggregate classification (germline): Uncertain significance (1 of 4 stars; one submission).

Conditions:
Multiple endocrine neoplasia, type 1 (MEN1). Also called: MEA I; MEN I; WERMER SYNDROME; Endocrine adenomatosis multiple; MEN 1. Identifiers: Orphanet 652, MedGen C0025267, MeSH D018761, MONDO:0007540, OMIM 131100.

Submission:

Labcorp Genetics (formerly Invitae), Labcorp
Classification: Uncertain significance for Multiple endocrine neoplasia, type 1. Last evaluated: 2021-08-31. Review status: criteria provided, single submitter. Criteria: Invitae Variant Classification Sherloc (09022015). Collection method: clinical testing. Allele origin: germline.
Comment: This sequence change replaces alanine with serine at codon 95 of the MEN1 protein (p.Ala95Ser). The alanine residue is highly conserved and there is a moderate physicochemical difference between alanine and serine. This variant is not present in population databases (ExAC no frequency). This variant has not been reported in the literature in individuals affected with MEN1-related conditions. Algorithms developed to predict the effect of missense changes on protein structure and function (SIFT, PolyPhen-2, Align-GVGD) all suggest that this variant is likely to be tolerated. In summary, the available evidence is currently insufficient to determine the role of this variant in disease. Therefore, it has been classified as a Variant of Uncertain Significance.